The following is an entry in ClinVar:

NM_005121.3(MED13):c.5506A>G (p.Arg1836Gly)

Gene: MED13 (mediator complex subunit 13; minus strand). Cytogenetic location: 17q23.2.
Variant type: single nucleotide variant.
Coding change: c.5506A>G on transcript NM_005121.3 (MANE Select); coding-DNA position 5506, A replaced by G.
Protein change: p.Arg1836Gly; replaces arginine 1836 with glycine.
Molecular consequence: missense variant.
Genome position (GRCh38, 1-based): chr17:61,956,456, T>C on the plus strand (A>G on the coding strand, the complement: MED13 is on the minus strand). VCF-style: chr17-61956456-T-C. GRCh37 (hg19) VCF-style: chr17-60033817-T-C.
Other names: short protein forms R1836G.
Identifiers: ClinVar variation 4995368 (VCV004995368.1).
Genomic context (GRCh38, chr17:61,956,456, plus strand): 5'-ATGAACTCATTTGTACAAGTCCTAAGCACCACTCCCAAAGTTTCTGTAGACCAAATTTTC[T>C]AGCAGAACTTTTTTTCCGACGAGCCCTATTGTGTGAATAAAGAGAGTGTCATAAATATTT-3'
Protein context (NP_005112.2, residues 1826-1846): NRARRKKSSA[Arg1836Gly]KFGLQKLWEW

ClinVar aggregate classification (germline): Uncertain significance (1 of 4 stars; one submission).

Conditions:
MED13-related disorder. Also called: MED13-related condition.

Submission:

PreventionGenetics, part of Exact Sciences
Classification: Uncertain significance for MED13-related condition. Last evaluated: 2026-03-17. Review status: criteria provided, single submitter. Criteria: ACMG Guidelines, 2015. Collection method: clinical testing. Allele origin: germline.
Comment: The MED13 c.5506A>G variant is predicted to result in the amino acid substitution p.Arg1836Gly. To our knowledge, this variant has not been reported in the literature or in a large population database (gnomAD), indicating this variant is rare. At this time, the clinical significance of this variant is uncertain due to the absence of conclusive functional and genetic evidence.